The following is an entry in ClinVar:

ClinVar aggregate classification (germline): Uncertain significance (1 of 4 stars; one submission).

Conditions:
Inborn genetic diseases. Identifiers: MedGen C0950123, MeSH D030342.

Submission:

Ambry Genetics
Classification: Uncertain significance for Inborn genetic diseases. Last evaluated: 2025-03-01. Review status: criteria provided, single submitter. Criteria: Ambry Variant Classification Scheme 2023. Collection method: clinical testing. Allele origin: germline.
Comment: The p.S1224C variant (also known as c.3671C>G), located in coding exon 14 of the FANCM gene, results from a C to G substitution at nucleotide position 3671. The serine at codon 1224 is replaced by cysteine, an amino acid with dissimilar properties. This amino acid position is conserved. In addition, this alteration is predicted to be tolerated by in silico analysis. Based on the available evidence, the clinical significance of this variant remains unclear.

NM_020937.4(FANCM):c.3671C>G (p.Ser1224Cys)

Gene: FANCM (FA complementation group M; plus strand). Cytogenetic location: 14q21.2.
Variant type: single nucleotide variant.
Coding change: c.3671C>G on transcript NM_020937.4 (MANE Select); coding-DNA position 3671, C replaced by G.
Protein change: p.Ser1224Cys; replaces serine 1224 with cysteine.
Molecular consequence: missense variant.
Genome position (GRCh38, 1-based): chr14:45,176,425, C>G. VCF-style: chr14-45176425-C-G. GRCh37 (hg19) VCF-style: chr14-45645628-C-G.
Other names: c.3593C>G, p.Ser1198Cys (NM_001308133.2); short protein forms S1198C, S1224C.
Identifiers: ClinVar variation 3848778 (VCV003848778.1).